The following is an entry in ClinVar:

NM_001080449.3(DNA2):c.2618A>G (p.Tyr873Cys)

Gene: DNA2 (DNA replication helicase/nuclease 2; minus strand). Cytogenetic location: 10q21.3.
Variant type: single nucleotide variant.
Coding change: c.2618A>G on transcript NM_001080449.3 (MANE Select); coding-DNA position 2618, A replaced by G.
Protein change: p.Tyr873Cys; replaces tyrosine 873 with cysteine.
Molecular consequence: missense variant. On other transcripts: non-coding transcript variant (1).
Genome position (GRCh38, 1-based): chr10:68,422,304, T>C on the plus strand (A>G on the coding strand, the complement: DNA2 is on the minus strand). VCF-style: chr10-68422304-T-C. GRCh37 (hg19) VCF-style: chr10-70182061-T-C.
Other names: short protein forms Y873C.
Identifiers: ClinVar variation 813671 (VCV000813671.10), dbSNP rs200309792, ClinGen allele CA5524777.

ClinVar aggregate classification (germline): Conflicting classifications of pathogenicity. Review status: criteria provided, conflicting classifications (1 of 4 stars). 4 submissions from 4 submitters: Uncertain significance (1); Likely benign (1). 2 of the submissions do not count toward it. Last evaluated 2024-08-24.

Conditions:
DNA2-related disorder. Also called: DNA2-related condition.
Microcephaly. Also called: Microcephaly (disease). Identifiers: MedGen C4551563, MONDO:0001149, HP:0000252.

Allele frequency attached by ClinVar (database versions not stated): gnomAD 0.00012 and 0.00011; ExAC 0.00022; TOPMed 0.00007; gnomAD exomes 0.00009 and 0.00023; 1000 Genomes Project 30x 0.00016; 1000 Genomes Project 0.00020.
gnomAD v4.1: 147 of 1,613,940 alleles (0.0091%); highest among the groups gnomAD compares: East Asian, 0.16%; 2 homozygotes.

Submissions (4):

Labcorp Genetics (formerly Invitae), Labcorp
Classification: Likely benign. Last evaluated: 2024-08-24. Review status: criteria provided, single submitter. Criteria: Invitae Variant Classification Sherloc (09022015). Collection method: clinical testing. Allele origin: germline.

GeneDx
Classification: Uncertain significance. Last evaluated: 2021-06-02. Review status: criteria provided, single submitter. Criteria: GeneDx Variant Classification Process June 2021. Collection method: clinical testing. Allele origin: germline. Affected: yes.
Comment: Has not been previously published as pathogenic or benign to our knowledge; In silico analysis supports that this missense variant does not alter protein structure/function; This variant is associated with the following publications: (PMID: 27535533)

PreventionGenetics, part of Exact Sciences
Classification: Likely benign for DNA2-related condition. Last evaluated: 2024-06-17. Review status: no assertion criteria provided. Collection method: clinical testing. Allele origin: germline. Not counted in ClinVar's aggregate classification.
Comment: This variant is classified as likely benign based on ACMG/AMP sequence variant interpretation guidelines (Richards et al. 2015 PMID: 25741868, with internal and published modifications).

Department of Pediatrics, Samsung Medical Center, Samsung Medical Center
Classification: Uncertain significance for Microcephaly. Review status: no assertion criteria provided. Criteria: ACMG Guidelines, 2015. Collection method: research. Allele origin: germline. Affected: yes. Not counted in ClinVar's aggregate classification.